The following is an entry in ClinVar:

ClinVar aggregate classification (germline): Likely benign. Review status: criteria provided, multiple submitters, no conflicts (2 of 4 stars). 4 submissions from 4 submitters: Likely benign (4). Last evaluated 2025-06-27.

Conditions:
Bartter disease type 3. Also called: Bartter syndrome type 3. Identifiers: Orphanet 112, Orphanet 93605, MedGen C1846343, MONDO:0011822, OMIM 607364.
Bartter disease type 4B. Also called: Bartter syndrome, type 4b, digenic; BARTTER SYNDROME, TYPE 4B; BARTTER SYNDROME, TYPE 4B, NEONATAL, WITH SENSORINEURAL DEAFNESS. Identifiers: Orphanet 112, MedGen C4310805, MONDO:0000909, OMIM 613090.

Allele frequency attached by ClinVar (database versions not stated): gnomAD exomes 0.00004 and 0.00013; ExAC 0.00017; ESP Exome Variant Server 0.00046; gnomAD 0.00050 and 0.00052; TOPMed 0.00061; 1000 Genomes Project 0.00140; 1000 Genomes Project 30x 0.00156.
gnomAD v4.1: 147 of 1,613,206 alleles (0.0091%); highest among the groups gnomAD compares: African/African-American, 0.16%; no homozygotes.

Submissions (4):

Labcorp Genetics (formerly Invitae), Labcorp
Classification: Likely benign. Last evaluated: 2025-06-27. Review status: criteria provided, single submitter. Criteria: Invitae Variant Classification Sherloc (09022015). Collection method: clinical testing. Allele origin: germline.

Mayo Clinic Laboratories, Mayo Clinic
Classification: Likely benign. Last evaluated: 2025-03-20. Review status: criteria provided, single submitter. Criteria: ACMG Guidelines, 2015. Collection method: clinical testing. Allele origin: germline. Observed: 2 variant alleles.
Comment: BP4, BP7

Blueprint Genetics
Classification: Likely benign. Last evaluated: 2023-10-02. Review status: criteria provided, single submitter. Criteria: ACMG Guidelines, 2015. Collection method: clinical testing. Allele origin: germline.

Fulgent Genetics
Classification: Likely benign for Bartter disease type 3; Bartter disease type 4B. Last evaluated: 2021-07-26. Review status: criteria provided, single submitter. Criteria: ACMG Guidelines, 2015. Collection method: clinical testing. Allele origin: unknown.

NM_000085.5(CLCNKB):c.1569C>T (p.Thr523=)

Genes: CLCNKB (chloride voltage-gated channel Kb; plus strand), LOC106501713 (CLCNKB recombination region; plus strand). Cytogenetic location: 1p36.13.
Variant type: single nucleotide variant.
Coding change: c.1569C>T on transcript NM_000085.5 (MANE Select); coding-DNA position 1569, C replaced by T.
Protein change: p.Thr523=; no amino-acid change (threonine 523 retained).
Molecular consequence: synonymous variant.
Genome position (GRCh38, 1-based): chr1:16,052,358, C>T. VCF-style: chr1-16052358-C-T. GRCh37 (hg19) VCF-style: chr1-16378853-C-T.
Other names: p.Thr523=; c.1062C>T, p.Thr354= (NM_001165945.2).
Identifiers: ClinVar variation 709327 (VCV000709327.11), dbSNP rs146084461, ClinGen allele CA623922.
Genomic context (GRCh38, chr1:16,052,358, plus strand): 5'-GGCGGTGCTGGCAGCCAACGCCATTGCACAGAGCTGCCAGCCCTCCTTCTATGATGGCAC[C>T]GTCATTGTCAAGAAGCTGCCATACCTGCCACGGATTCTGGGCCGCAACATCGGGTGAGTG-3'
Protein context (NP_000076.2, residues 513-533): QSCQPSFYDG[Thr523=]VIVKKLPYLP